The following is an entry in ClinVar:

NM_005422.4(TECTA):c.325G>A (p.Gly109Ser)

Genes: TBCEL-TECTA (TBCEL-TECTA readthrough; plus strand), TECTA (tectorin alpha; plus strand). Cytogenetic location: 11q23.3.
Variant type: single nucleotide variant.
Coding change: c.325G>A on transcript NM_005422.4 (MANE Select); coding-DNA position 325, G replaced by A.
Protein change: p.Gly109Ser; replaces glycine 109 with serine.
Molecular consequence: missense variant.
Genome position (GRCh38, 1-based): chr11:121,109,337, G>A. VCF-style: chr11-121109337-G-A. GRCh37 (hg19) VCF-style: chr11-120980046-G-A.
Other names: c.1282G>A, p.Gly428Ser (NM_001378761.1); short protein forms G109S, G428S.
Identifiers: ClinVar variation 3634405 (VCV003634405.2).

ClinVar aggregate classification (germline): Uncertain significance (1 of 4 stars; one submission).

Submission:

Labcorp Genetics (formerly Invitae), Labcorp
Classification: Uncertain significance. Last evaluated: 2024-10-30. Review status: criteria provided, single submitter. Criteria: Invitae Variant Classification Sherloc (09022015). Collection method: clinical testing. Allele origin: germline.
Comment: This sequence change replaces glycine, which is neutral and non-polar, with serine, which is neutral and polar, at codon 109 of the TECTA protein (p.Gly109Ser). This variant is not present in population databases (gnomAD no frequency). This variant has not been reported in the literature in individuals affected with TECTA-related conditions. Invitae Evidence Modeling of protein sequence and biophysical properties (such as structural, functional, and spatial information, amino acid conservation, physicochemical variation, residue mobility, and thermodynamic stability) indicates that this missense variant is not expected to disrupt TECTA protein function with a negative predictive value of 95%. In summary, the available evidence is currently insufficient to determine the role of this variant in disease. Therefore, it has been classified as a Variant of Uncertain Significance.